The following is an entry in ClinVar:

ClinVar aggregate classification (germline): Uncertain significance (1 of 4 stars; one submission).

Submission:

GeneDx
Classification: Uncertain significance. Last evaluated: 2023-06-22. Review status: criteria provided, single submitter. Criteria: GeneDx Variant Classification Process June 2021. Collection method: clinical testing. Allele origin: germline. Affected: yes.
Comment: Not observed at significant frequency in large population cohorts (gnomAD); In silico analysis supports that this missense variant has a deleterious effect on protein structure/function; Has not been previously published as pathogenic or benign to our knowledge

NM_017780.4(CHD7):c.7971G>T (p.Lys2657Asn)

Gene: CHD7 (chromodomain helicase DNA binding protein 7; plus strand). Cytogenetic location: 8q12.2.
Variant type: single nucleotide variant.
Coding change: c.7971G>T on transcript NM_017780.4 (MANE Select); coding-DNA position 7971, G replaced by T.
Protein change: p.Lys2657Asn; replaces lysine 2657 with asparagine.
Molecular consequence: missense variant.
Genome position (GRCh38, 1-based): chr8:60,862,336, G>T. VCF-style: chr8-60862336-G-T. GRCh37 (hg19) VCF-style: chr8-61774895-G-T.
Other names: c.1824G>T, p.Lys608Asn (NM_001316690.1); short protein forms K2657N, K608N.
Identifiers: ClinVar variation 1304779 (VCV001304779.3), dbSNP rs2129721996, ClinGen allele CA371305746.